The following is an entry in ClinVar:

NM_000338.3(SLC12A1):c.922A>T (p.Thr308Ser)

Gene: SLC12A1 (solute carrier family 12 member 1; plus strand). Cytogenetic location: 15q21.1.
Variant type: single nucleotide variant.
Coding change: c.922A>T on transcript NM_000338.3 (MANE Select); coding-DNA position 922, A replaced by T.
Protein change: p.Thr308Ser; replaces threonine 308 with serine.
Molecular consequence: missense variant.
Genome position (GRCh38, 1-based): chr15:48,230,450, A>T. VCF-style: chr15-48230450-A-T. GRCh37 (hg19) VCF-style: chr15-48522647-A-T.
Other names: c.922A>T, p.Thr308Ser (NM_001184832.2, NM_001384136.1); short protein forms T308S.
Identifiers: ClinVar variation 1923313 (VCV001923313.7), dbSNP rs887939424, ClinGen allele CA269461167.
Genomic context (GRCh38, chr15:48,230,450, plus strand): 5'-CAGGAGAGTGATTCGATGATGGTGGATCCAACCAATGACATCCGGATTATAGGCTCCATC[A>T]CAGTGGTGATTCTTCTAGGAATTTCAGTAGCTGGAATGGAATGGGAGGCAAAGGTAAATT-3'
Protein context (NP_000329.2, residues 298-318): TNDIRIIGSI[Thr308Ser]VVILLGISVA

ClinVar aggregate classification (germline): Uncertain significance. Review status: criteria provided, multiple submitters, no conflicts (2 of 4 stars). 3 submissions from 3 submitters: Uncertain significance (3). Last evaluated 2025-10-01.

Conditions:
Inborn genetic diseases. Identifiers: MedGen C0950123, MeSH D030342.

Allele frequency attached by ClinVar (database versions not stated): TOPMed 0.00002; gnomAD 0.00003; gnomAD exomes 0.00002.
gnomAD v4.1: 28 of 1,613,034 alleles (0.0017%); highest among the groups gnomAD compares: African/African-American, 0.0027%; no homozygotes.

Submissions (3):

Ambry Genetics
Classification: Uncertain significance for Inborn genetic diseases. Last evaluated: 2025-10-01. Review status: criteria provided, single submitter. Criteria: Ambry Variant Classification Scheme 2023. Collection method: clinical testing. Allele origin: germline.

GeneDx
Classification: Uncertain significance. Last evaluated: 2023-11-16. Review status: criteria provided, single submitter. Criteria: GeneDx Variant Classification Process June 2021. Collection method: clinical testing. Allele origin: germline.
Comment: Not observed at significant frequency in large population cohorts (gnomAD); In silico analysis supports that this missense variant has a deleterious effect on protein structure/function; Has not been previously published as pathogenic or benign to our knowledge

Labcorp Genetics (formerly Invitae), Labcorp
Classification: Uncertain significance. Last evaluated: 2022-03-17. Review status: criteria provided, single submitter. Criteria: Invitae Variant Classification Sherloc (09022015). Collection method: clinical testing. Allele origin: germline.
Comment: This sequence change replaces threonine, which is neutral and polar, with serine, which is neutral and polar, at codon 308 of the SLC12A1 protein (p.Thr308Ser). This variant is present in population databases (no rsID available, gnomAD 0.003%). This variant has not been reported in the literature in individuals affected with SLC12A1-related conditions. Algorithms developed to predict the effect of missense changes on protein structure and function are either unavailable or do not agree on the potential impact of this missense change (SIFT: "Tolerated"; PolyPhen-2: "Probably Damaging"; Align-GVGD: "Class C0"). In summary, the available evidence is currently insufficient to determine the role of this variant in disease. Therefore, it has been classified as a Variant of Uncertain Significance.